The following is an entry in ClinVar:

ClinVar aggregate classification (germline): Uncertain significance. Review status: criteria provided, multiple submitters, no conflicts (2 of 4 stars). 2 submissions from 2 submitters: Uncertain significance (2). Last evaluated 2025-04-29.

Conditions:
Inborn genetic diseases. Identifiers: MedGen C0950123, MeSH D030342.

Allele frequency attached by ClinVar (database versions not stated): gnomAD 0.00003; gnomAD exomes 0.00002 and 0.00001; TOPMed 0.00003; ExAC 0.00003.
gnomAD v4.1: 18 of 1,614,036 alleles (0.0011%); highest among the groups gnomAD compares: African/African-American, 0.008%; no homozygotes.

Submissions (2):

Ambry Genetics
Classification: Uncertain significance for Inborn genetic diseases. Last evaluated: 2025-04-29. Review status: criteria provided, single submitter. Criteria: Ambry Variant Classification Scheme 2023. Collection method: clinical testing. Allele origin: germline.
Comment: The p.D375N variant (also known as c.1123G>A), located in coding exon 8 of the GLUD1 gene, results from a G to A substitution at nucleotide position 1123. The aspartic acid at codon 375 is replaced by asparagine, an amino acid with highly similar properties. This amino acid position is conserved. In addition, the in silico prediction for this alteration is inconclusive. Since supporting evidence is limited at this time, the clinical significance of this alteration remains unclear.

Genetic Services Laboratory, University of Chicago
Classification: Uncertain significance. Last evaluated: 2017-05-19. Review status: criteria provided, single submitter. Criteria: ACMG Guidelines, 2015. Collection method: clinical testing. Allele origin: germline. Affected: no.

NM_005271.5(GLUD1):c.1123G>A (p.Asp375Asn)

Gene: GLUD1 (glutamate dehydrogenase 1; minus strand). Cytogenetic location: 10q23.2.
Variant type: single nucleotide variant.
Coding change: c.1123G>A on transcript NM_005271.5 (MANE Select); coding-DNA position 1123, G replaced by A.
Protein change: p.Asp375Asn; replaces aspartic acid 375 with asparagine.
Molecular consequence: missense variant.
Genome position (GRCh38, 1-based): chr10:87,060,762, C>T on the plus strand (G>A on the coding strand, the complement: GLUD1 is on the minus strand). VCF-style: chr10-87060762-C-T. GRCh37 (hg19) VCF-style: chr10-88820519-C-T.
Other names: c.724G>A, p.Asp242Asn (NM_001318900.1); c.622G>A, p.Asp208Asn (NM_001318901.1, NM_001318902.1, NM_001318904.2 and 2 more transcripts); short protein forms D375N, D242N, D208N.
Identifiers: ClinVar variation 435340 (VCV000435340.9), dbSNP rs775247684, ClinGen allele CA5587512.
Genomic context (GRCh38, chr10:87,060,762, plus strand): 5'-TGGGTGCGTTGGATTTGGTCAACTGCTTCTCACTGGCAGCTGGGATCAGTATGTCACAGT[C>T]GGCCTCCAAGATGCTTCCTTCATAGGGCTTTGCCTTGGGGAAGCCCAGAATGGACCCATG-3'
Protein context (NP_005262.1, residues 365-385): KPYEGSILEA[Asp375Asn]CDILIPAASE